The following is an entry in ClinVar:

ClinVar aggregate classification (germline): Uncertain significance (1 of 4 stars; one submission).

Conditions:
Landau-Kleffner syndrome (FESD). Also called: EPILEPSY, FOCAL, WITH SPEECH DISORDER AND WITH OR WITHOUT MENTAL RETARDATION; APHASIA, ACQUIRED, WITH EPILEPSY. Identifiers: Orphanet 1945, Orphanet 725, Orphanet 98818, MedGen C0282512, MONDO:0009509, OMIM 245570.

Submission:

Labcorp Genetics (formerly Invitae), Labcorp
Classification: Uncertain significance for Landau-Kleffner syndrome. Last evaluated: 2026-01-24. Review status: criteria provided, single submitter. Criteria: Invitae Variant Classification Sherloc (09022015). Collection method: clinical testing. Allele origin: germline.
Comment: This variant, c.3291_3293dup, results in the insertion of 1 amino acid(s) of the GRIN2A protein (p.Cys1098dup), but otherwise preserves the integrity of the reading frame. This variant is not present in population databases (gnomAD no frequency). This variant has not been reported in the literature in individuals affected with GRIN2A-related conditions. In summary, the available evidence is currently insufficient to determine the role of this variant in disease. Therefore, it has been classified as a Variant of Uncertain Significance.

NM_001134407.3(GRIN2A):c.3291_3293dup (p.Cys1098_Ser1099insCys)

Gene: GRIN2A (glutamate ionotropic receptor NMDA type subunit 2A; minus strand). Cytogenetic location: 16p13.2.
Variant type: Duplication.
Coding change: c.3291_3293dup on transcript NM_001134407.3 (MANE Select); coding-DNA positions 3291 to 3293, 3 bases duplicated (CTG; older notation c.3291_3293dupCTG).
Protein change: p.Cys1098_Ser1099insCys.
Molecular consequence: inframe insertion.
Genome position (GRCh38, 1-based): chr16:9,764,251-9,764,253, CAG duplicated on the plus strand (CTG on the coding strand, the reverse complement: GRIN2A is on the minus strand). VCF-style (leftmost placement, unchanged base first): chr16-9764250-A-ACAG. GRCh37 (hg19) VCF-style: chr16-9858107-A-ACAG.
Other names: c.3291_3293dup, p.Cys1098_Ser1099insCys (NM_000833.5, NM_001134408.2).
Identifiers: ClinVar variation 4735729 (VCV004735729.1).